The following is an entry in ClinVar:

NM_032638.5(GATA2):c.77A>C (p.His26Pro)

Gene: GATA2 (GATA binding protein 2; minus strand). Cytogenetic location: 3q21.3.
Variant type: single nucleotide variant.
Coding change: c.77A>C on transcript NM_032638.5 (MANE Select); coding-DNA position 77, A replaced by C.
Protein change: p.His26Pro; replaces histidine 26 with proline.
Molecular consequence: missense variant.
Genome position (GRCh38, 1-based): chr3:128,486,955, T>G on the plus strand (A>C on the coding strand, the complement: GATA2 is on the minus strand). VCF-style: chr3-128486955-T-G. GRCh37 (hg19) VCF-style: chr3-128205798-T-G.
Other names: c.77A>C, p.His26Pro (NM_001145661.2, NM_001145662.1); short protein forms H26P.
Identifiers: ClinVar variation 2925371 (VCV002925371.3), dbSNP rs2472934869, ClinGen allele CA354409025.

ClinVar aggregate classification (germline): Uncertain significance (1 of 4 stars; one submission).

Conditions:
Deafness-lymphedema-leukemia syndrome. Also called: Lymphedema, primary, with myelodysplasia; Emberger syndrome. Identifiers: Orphanet 3226, MedGen C3279664, MONDO:0013540, OMIM 614038.
Monocytopenia with susceptibility to infections. Also called: MONOCYTOPENIA AND MYCOBACTERIAL INFECTION SYNDROME; MONOCYTOPENIA WITH SUSCEPTIBILITY TO MYCOBACTERIAL, FUNGAL, AND PAPILLOMAVIRUS INFECTIONS AND MYELODYSPLASIA; COMBINED IMMUNODEFICIENCY WITH SUSCEPTIBILITY TO MYCOBACTERIAL, VIRAL, AND FUNGAL INFECTIONS; Dendritic cell, monocyte, B lymphocyte, and natural killer lymphocyte deficiency; IMMUNODEFICIENCY 21; GATA2 DEFICIENCY. Identifiers: Orphanet 228423, MedGen C3280030, MONDO:0013607, OMIM 614172.

Submission:

Labcorp Genetics (formerly Invitae), Labcorp
Classification: Uncertain significance for Monocytopenia with susceptibility to infections; Deafness-lymphedema-leukemia syndrome. Last evaluated: 2024-04-15. Review status: criteria provided, single submitter. Criteria: Invitae Variant Classification Sherloc (09022015). Collection method: clinical testing. Allele origin: germline.
Comment: This sequence change replaces histidine, which is basic and polar, with proline, which is neutral and non-polar, at codon 26 of the GATA2 protein (p.His26Pro). This variant is not present in population databases (gnomAD no frequency). This missense change has been observed in individual(s) with clinical features of GATA-related conditions (PMID: 23563236, 34387894). Advanced modeling of protein sequence and biophysical properties (such as structural, functional, and spatial information, amino acid conservation, physicochemical variation, residue mobility, and thermodynamic stability) has been performed at Invitae for this missense variant, however the output from this modeling did not meet the statistical confidence thresholds required to predict the impact of this variant on GATA2 protein function. In summary, the available evidence is currently insufficient to determine the role of this variant in disease. Therefore, it has been classified as a Variant of Uncertain Significance.

Literature cited by the submitters: PubMed 23563236; PubMed 34387894.